The following is an entry in ClinVar:

NM_130839.5(UBE3A):c.1032T>C (p.Ile344=)

Genes: SNHG14 (small nucleolar RNA host gene 14; plus strand), UBE3A (ubiquitin protein ligase E3A; minus strand). Cytogenetic location: 15q11.2.
Variant type: single nucleotide variant.
Coding change: c.1032T>C on transcript NM_130839.5 (MANE Select); coding-DNA position 1032, T replaced by C.
Protein change: p.Ile344=; no amino-acid change (isoleucine 344 retained).
Molecular consequence: synonymous variant. On other transcripts: non-coding transcript variant (1), intron variant (2).
Genome position (GRCh38, 1-based): chr15:25,371,142, A>G on the plus strand (T>C on the coding strand, the complement: UBE3A is on the minus strand). VCF-style: chr15-25371142-A-G. GRCh37 (hg19) VCF-style: chr15-25616289-A-G.
Other names: NM_130839.5(UBE3A):c.1032T>C; p.Ile344=; c.1041T>C, p.Ile347= (NM_000462.5); c.1032T>C, p.Ile344= (NM_001354505.1, NM_001354538.2, NM_001354545.2); c.972T>C, p.Ile324= (NM_001354506.2, NM_001354507.2, NM_001354508.2 and 17 more transcripts); c.855T>C, p.Ile285= (NM_001354546.2); c.301+4323T>C (NM_001354551.2); c.361+4323T>C (NM_001354550.2).
Identifiers: ClinVar variation 196571 (VCV000196571.16), dbSNP rs755119609, ClinGen allele CA243569.

ClinVar aggregate classification (germline): Likely benign. Review status: reviewed by expert panel (3 of 4 stars). 4 submissions from 4 submitters: Likely benign (1). 3 of the submissions do not count toward it. Last evaluated 2023-12-08.

Conditions:
Inborn genetic diseases. Identifiers: MedGen C0950123, MeSH D030342.
Angelman syndrome (AS). Also called: HAPPY PUPPET SYNDROME. Identifiers: Orphanet 72, MedGen C0162635, MONDO:0007113, OMIM 105830. Disease mechanism: loss of function. Inheritance: imprinting disorder, AS is caused by disruption of maternally imprinted UBE3A located within the 15q11.2-q13 Angelman syndrome/Prader-Willi syndrome (AS/PWS) region..

Allele frequency attached by ClinVar (database versions not stated): TOPMed 0.00002; gnomAD 0.00003; gnomAD exomes 0.00003.
gnomAD v4.1: 44 of 1,614,032 alleles (0.0027%); highest among the groups gnomAD compares: Non-Finnish European, 0.0036%; no homozygotes.

Submissions (4):

ClinGen Rett and Angelman-like Disorders Variant Curation Expert Panel
Classification: Likely benign for Angelman syndrome. Last evaluated: 2023-12-08. Review status: reviewed by expert panel. Criteria: ClinGen RettAS ACMG Specifications UBE3A V3. Collection method: curation. Allele origin: germline. Inheritance: Autosomal dominant inheritance.
Comment: The p.Ile324= variant in UBE3A (NM_130838.2) is observed in at least 7 unaffected individuals (internal database - GeneDx) (BS2). The silent p.Ile324= variant is not predicted to affect splicing using multiple computational tools and does not affect a highly conserved nucleotide (BP7). In summary, the p.Ile324= variant in UBE3A (NM_130838.2) is classified as likely benign based on the ACMG/AMP criteria (BS2, BP5, BP7).

Labcorp Genetics (formerly Invitae), Labcorp
Classification: Likely benign for Angelman syndrome. Last evaluated: 2025-08-21. Review status: criteria provided, single submitter. Criteria: Invitae Variant Classification Sherloc (09022015). Collection method: clinical testing. Allele origin: germline. Not counted in ClinVar's aggregate classification.

Ambry Genetics
Classification: Likely benign for Inborn genetic diseases. Last evaluated: 2019-07-04. Review status: criteria provided, single submitter. Criteria: Ambry Variant Classification Scheme 2023. Collection method: clinical testing. Allele origin: germline. Not counted in ClinVar's aggregate classification.

Eurofins Ntd Llc (ga)
Classification: Uncertain significance. Last evaluated: 2015-07-01. Review status: criteria provided, single submitter. Criteria: EGL Classification Definitions 2015. Collection method: clinical testing. Allele origin: germline. Observed: 1 variant allele, 1 heterozygote. Not counted in ClinVar's aggregate classification.